The following is an entry in ClinVar:

ClinVar aggregate classification (germline): Benign (1 of 4 stars; one submission).

Conditions:
Klippel-Feil syndrome 1, autosomal dominant (KFS1). Also called: CERVICAL VERTEBRAL FUSION, AUTOSOMAL DOMINANT. Identifiers: Orphanet 2345, MedGen C1861689, MONDO:0007306, OMIM 118100.

Allele frequency attached by ClinVar (database versions not stated): gnomAD 0.00001 and 0.00003; TOPMed 0.00003; 1000 Genomes Project 30x 0.00047; 1000 Genomes Project 0.00060.

Submission:

Illumina Laboratory Services, Illumina
Classification: Benign for Klippel-Feil syndrome 1, autosomal dominant. Last evaluated: 2018-01-13. Review status: criteria provided, single submitter. Criteria: ICSL Variant Classification Criteria 13 December 2019. Collection method: clinical testing. Allele origin: germline.
Comment: This variant was observed in the ICSL laboratory as part of a predisposition screen in an ostensibly healthy population. It had not been previously curated by ICSL or reported in the Human Gene Mutation Database (HGMD: prior to June 1st, 2018), and was therefore a candidate for classification through an automated scoring system. Utilizing variant allele frequency, disease prevalence and penetrance estimates, and inheritance mode, an automated score was calculated to assess if this variant is too frequent to cause the disease. Based on the score and internal cut-off values, a variant classified as benign is not then subjected to further curation. The score for this variant resulted in a classification of benign for this disease.

NM_001001557.4(GDF6):c.*781G>A

Gene: GDF6 (growth differentiation factor 6; minus strand). Cytogenetic location: 8q22.1.
Variant type: single nucleotide variant.
Coding change: c.*781G>A on transcript NM_001001557.4 (MANE Select); 781 bases downstream of the stop codon, G replaced by A.
Molecular consequence: 3 prime UTR variant.
Genome position (GRCh38, 1-based): chr8:96,143,782, C>T on the plus strand (G>A on the coding strand, the complement: GDF6 is on the minus strand). VCF-style: chr8-96143782-C-T. GRCh37 (hg19) VCF-style: chr8-97156010-C-T.
Identifiers: ClinVar variation 364018 (VCV000364018.5), dbSNP rs528002823, ClinGen allele CA10628456.